The following is an entry in ClinVar:

NM_181552.4(CUX1):c.157G>A (p.Val53Ile)

Gene: CUX1 (cut like homeobox 1; plus strand). Cytogenetic location: 7q22.1.
Variant type: single nucleotide variant.
Coding change: c.157G>A on transcript NM_181552.4 (MANE Select); coding-DNA position 157, G replaced by A.
Protein change: p.Val53Ile; replaces valine 53 with isoleucine.
Molecular consequence: missense variant. On other transcripts: intron variant (1).
Genome position (GRCh38, 1-based): chr7:102,028,113, G>A. VCF-style: chr7-102028113-G-A. GRCh37 (hg19) VCF-style: chr7-101671393-G-A.
Other names: c.190G>A, p.Val64Ile (NM_001202543.2, NM_001202545.3, NM_001913.5 and 1 more transcripts); c.79G>A, p.Val27Ile (NM_001202546.3); c.175-42226G>A (NM_001202544.3); short protein forms V27I, V53I, V64I.
Identifiers: ClinVar variation 3381573 (VCV003381573.1).

ClinVar aggregate classification (germline): Uncertain significance (1 of 4 stars; one submission).

Submission:

GeneDx
Classification: Uncertain significance. Last evaluated: 2024-05-23. Review status: criteria provided, single submitter. Criteria: GeneDx Variant Classification Process June 2021. Collection method: clinical testing. Allele origin: germline. Affected: yes.
Comment: Not observed at significant frequency in large population cohorts (gnomAD); In silico analysis indicates that this missense variant does not alter protein structure/function; Has not been previously published as pathogenic or benign to our knowledge